The following is an entry in ClinVar:

NM_031475.3(ESPN):c.2373G>A (p.Arg791=)

Gene: ESPN (espin; plus strand). Cytogenetic location: 1p36.31.
Variant type: single nucleotide variant.
Coding change: c.2373G>A on transcript NM_031475.3 (MANE Select); coding-DNA position 2373, G replaced by A.
Protein change: p.Arg791=; no amino-acid change (arginine 791 retained).
Molecular consequence: synonymous variant.
Genome position (GRCh38, 1-based): chr1:6,457,231, G>A. VCF-style: chr1-6457231-G-A. GRCh37 (hg19) VCF-style: chr1-6517291-G-A.
Other names: c.2283G>A, p.Arg761= (NM_001367473.1); c.2310G>A, p.Arg770= (NM_001367474.1).
Identifiers: ClinVar variation 3060303 (VCV003060303.2), dbSNP rs2522956116, ClinGen allele CA415830474.

ClinVar aggregate classification (germline): Likely benign (0 of 4 stars; one submission).

Conditions:
ESPN-related disorder. Also called: ESPN-related condition.

Submission:

PreventionGenetics, part of Exact Sciences
Classification: Likely benign for ESPN-related condition. Last evaluated: 2021-09-09. Review status: no assertion criteria provided. Collection method: clinical testing. Allele origin: germline.
Comment: This variant is classified as likely benign based on ACMG/AMP sequence variant interpretation guidelines (Richards et al. 2015 PMID: 25741868, with internal and published modifications).